The following is an entry in ClinVar:

NM_213599.3(ANO5):c.1444G>A (p.Val482Met)

Gene: ANO5 (anoctamin 5; plus strand). Cytogenetic location: 11p14.3.
Variant type: single nucleotide variant.
Coding change: c.1444G>A on transcript NM_213599.3 (MANE Select); coding-DNA position 1444, G replaced by A.
Protein change: p.Val482Met; replaces valine 482 with methionine.
Molecular consequence: missense variant.
Genome position (GRCh38, 1-based): chr11:22,259,555, G>A. VCF-style: chr11-22259555-G-A. GRCh37 (hg19) VCF-style: chr11-22281101-G-A.
Other names: c.1441G>A, p.Val481Met (NM_001142649.2); c.1402G>A, p.Val468Met (NM_001410963.1); c.1399G>A, p.Val467Met (NM_001410964.1); short protein forms V467M, V468M, V481M, V482M.
Identifiers: ClinVar variation 1719697 (VCV001719697.6), dbSNP rs1854120341, ClinGen allele CA379922042.

ClinVar aggregate classification (germline): Uncertain significance (1 of 4 stars; one submission).

Conditions:
Autosomal recessive limb-girdle muscular dystrophy type 2L (LGMDR12). Also called: MUSCULAR DYSTROPHY, LIMB-GIRDLE, AUTOSOMAL RECESSIVE 12; Limb-girdle muscular dystrophy, type 2L; Limb-Girdle Muscular Dystrophy R12 Anoctamin-5-Related (LGMD-R12). Identifiers: Orphanet 206549, MedGen C1969785, MONDO:0012652, OMIM 611307.
Gnathodiaphyseal dysplasia (GDD). Also called: OSTEOGENESIS IMPERFECTA WITH UNUSUAL SKELETAL LESIONS; GNATHODIAPHYSEAL SCLEROSIS. Identifiers: Orphanet 53697, MedGen C1833736, MONDO:0008151, OMIM 166260.

Submission:

Labcorp Genetics (formerly Invitae), Labcorp
Classification: Uncertain significance for Autosomal recessive limb-girdle muscular dystrophy type 2L; Gnathodiaphyseal dysplasia. Last evaluated: 2022-09-17. Review status: criteria provided, single submitter. Criteria: Invitae Variant Classification Sherloc (09022015). Collection method: clinical testing. Allele origin: germline.
Comment: In summary, the available evidence is currently insufficient to determine the role of this variant in disease. Therefore, it has been classified as a Variant of Uncertain Significance. Advanced modeling of protein sequence and biophysical properties (such as structural, functional, and spatial information, amino acid conservation, physicochemical variation, residue mobility, and thermodynamic stability) has been performed at Invitae for this missense variant, however the output from this modeling did not meet the statistical confidence thresholds required to predict the impact of this variant on ANO5 protein function. This sequence change replaces valine, which is neutral and non-polar, with methionine, which is neutral and non-polar, at codon 482 of the ANO5 protein (p.Val482Met). This variant is not present in population databases (gnomAD no frequency). This variant has not been reported in the literature in individuals affected with ANO5-related conditions.